The following is an entry in ClinVar:

ClinVar aggregate classification (germline): Uncertain significance. Review status: criteria provided, multiple submitters, no conflicts (2 of 4 stars). 3 submissions from 3 submitters: Uncertain significance (3). Last evaluated 2025-12-22.

Conditions:
Hereditary cancer-predisposing syndrome. Also called: Neoplastic Syndromes, Hereditary; Hereditary neoplastic syndrome; Tumor predisposition; Hereditary Cancer Syndrome. Identifiers: Orphanet 140162, MedGen C0027672, MeSH D009386, MONDO:0015356.
Familial adenomatous polyposis 1 (FAP1). Also called: FAMILIAL ADENOMATOUS POLYPOSIS 1, ATTENUATED; POLYPOSIS, ADENOMATOUS INTESTINAL. Identifiers: MedGen C2713442, MONDO:0021056, OMIM 175100. Disease mechanism: loss of function.

Allele frequency attached by ClinVar (database versions not stated): gnomAD exomes below 0.00001.
gnomAD v4.1: 2 of 1,614,170 alleles (0.00012%); highest among the groups gnomAD compares: Non-Finnish European, 0.00017%; no homozygotes.

Submissions (3):

Ambry Genetics
Classification: Uncertain significance for Hereditary cancer-predisposing syndrome. Last evaluated: 2025-12-22. Review status: criteria provided, single submitter. Criteria: Ambry Variant Classification Scheme 2023. Collection method: clinical testing. Allele origin: germline.
Comment: The p.S1126C variant (also known as c.3376A>T), located in coding exon 15 of the APC gene, results from an A to T substitution at nucleotide position 3376. The serine at codon 1126 is replaced by cysteine, an amino acid with dissimilar properties. This amino acid position is poorly conserved in available vertebrate species. In addition, in silico predictors for this gene do not accurately predict pathogenicity. Missense alterations in APC are not a common cause of disease (Spier I et al. Genet Med. 2024 Feb;26(2):100992). Based on the available evidence, the clinical significance of this variant remains unclear.

Labcorp Genetics (formerly Invitae), Labcorp
Classification: Uncertain significance for Familial adenomatous polyposis 1. Last evaluated: 2024-03-26. Review status: criteria provided, single submitter. Criteria: Invitae Variant Classification Sherloc (09022015). Collection method: clinical testing. Allele origin: germline.
Comment: This sequence change replaces serine, which is neutral and polar, with cysteine, which is neutral and slightly polar, at codon 1126 of the APC protein (p.Ser1126Cys). This variant is not present in population databases (gnomAD no frequency). This variant has not been reported in the literature in individuals affected with APC-related conditions. ClinVar contains an entry for this variant (Variation ID: 630669). Advanced modeling of protein sequence and biophysical properties (such as structural, functional, and spatial information, amino acid conservation, physicochemical variation, residue mobility, and thermodynamic stability) performed at Invitae indicates that this missense variant is not expected to disrupt APC protein function with a negative predictive value of 95%. In summary, the available evidence is currently insufficient to determine the role of this variant in disease. Therefore, it has been classified as a Variant of Uncertain Significance.

Color Diagnostics, LLC DBA Color Health
Classification: Uncertain significance for Hereditary cancer-predisposing syndrome. Last evaluated: 2023-12-04. Review status: criteria provided, single submitter. Criteria: ACMG Guidelines, 2015. Collection method: clinical testing. Allele origin: germline.
Comment: This missense variant replaces serine with cysteine at codon 1126 of the APC protein. Computational prediction suggests that this variant may not impact protein structure and function (internally defined REVEL score threshold <= 0.5, PMID: 27666373). To our knowledge, functional studies have not been reported for this variant. This variant has not been reported in individuals affected with APC-related disorders in the literature. This variant has not been identified in the general population by the Genome Aggregation Database (gnomAD). The available evidence is insufficient to determine the role of this variant in disease conclusively. Therefore, this variant is classified as a Variant of Uncertain Significance.

NM_000038.6(APC):c.3376A>T (p.Ser1126Cys)

Gene: APC (APC regulator of Wnt signaling pathway; plus strand). Cytogenetic location: 5q22.2.
Variant type: single nucleotide variant.
Coding change: c.3376A>T on transcript NM_000038.6 (MANE Select); coding-DNA position 3376, A replaced by T.
Protein change: p.Ser1126Cys; replaces serine 1126 with cysteine.
Molecular consequence: missense variant.
Genome position (GRCh38, 1-based): chr5:112,838,970, A>T. VCF-style: chr5-112838970-A-T. GRCh37 (hg19) VCF-style: chr5-112174667-A-T.
Other names: c.3376A>T, p.Ser1126Cys (NM_001127510.3, NM_001354895.2); c.3322A>T, p.Ser1108Cys (NM_001127511.3); c.3430A>T, p.Ser1144Cys (NM_001354896.2); c.3406A>T, p.Ser1136Cys (NM_001354897.2); c.3301A>T, p.Ser1101Cys (NM_001354898.2); c.3292A>T, p.Ser1098Cys (NM_001354899.2); c.3253A>T, p.Ser1085Cys (NM_001354900.2); c.3199A>T, p.Ser1067Cys (NM_001354901.2); and 5 more; short protein forms S1108C, S1126C, S1035C, S1098C, S1101C, S1136C, S966C, S1025C.
Identifiers: ClinVar variation 630669 (VCV000630669.15), dbSNP rs1561584350, ClinGen allele CA16028731.